The following is an entry in ClinVar:

NM_002907.4(RECQL):c.1123G>C (p.Gly375Arg)

Gene: RECQL (RecQ like helicase; minus strand). Cytogenetic location: 12p12.1.
Variant type: single nucleotide variant.
Coding change: c.1123G>C on transcript NM_002907.4 (MANE Select); coding-DNA position 1123, G replaced by C.
Protein change: p.Gly375Arg; replaces glycine 375 with arginine.
Molecular consequence: missense variant.
Genome position (GRCh38, 1-based): chr12:21,475,561, C>G on the plus strand (G>C on the coding strand, the complement: RECQL is on the minus strand). VCF-style: chr12-21475561-C-G. GRCh37 (hg19) VCF-style: chr12-21628495-C-G.
Other names: c.1123G>C, p.Gly375Arg (NM_032941.3); short protein forms G375R.
Identifiers: ClinVar variation 3222922 (VCV003222922.1), dbSNP rs745428075, ClinGen allele CA384120222.
Genomic context (GRCh38, chr12:21,475,561, plus strand): 5'-TGGATTTACTCATTGAATGATGGATAACAAACCTCACATCTGGCTTATCAATTCCCATAC[C>G]AAATGCAACAGTTGCCACTACTACCTGAAATATTTTAACATTTTATCAGTTAATTAAATC-3'
Protein context (NP_002898.2, residues 365-385): IQVVVATVAF[Gly375Arg]MGIDKPDVRF

ClinVar aggregate classification (germline): Uncertain significance (1 of 4 stars; one submission).

Submission:

Ambry Genetics
Classification: Uncertain significance. Last evaluated: 2023-10-22. Review status: criteria provided, single submitter. Criteria: Ambry Variant Classification Scheme 2023. Collection method: clinical testing. Allele origin: germline.
Comment: The p.G375R variant (also known as c.1123G>C), located in coding exon 9 of the RECQL gene, results from a G to C substitution at nucleotide position 1123. The glycine at codon 375 is replaced by arginine, an amino acid with dissimilar properties. This amino acid position is conserved. In addition, this alteration is predicted to be deleterious by in silico analysis. Since supporting evidence is limited at this time, the clinical significance of this alteration remains unclear.